The following is an entry in ClinVar:

ClinVar aggregate classification (germline): Uncertain significance (1 of 4 stars; one submission).

Conditions:
Developmental and epileptic encephalopathy, 32 (DEE32). Also called: Epileptic encephalopathy, early infantile, 32. Identifiers: Orphanet 442835, MedGen C4225350, MONDO:0014607, OMIM 616366.

Submission:

Labcorp Genetics (formerly Invitae), Labcorp
Classification: Uncertain significance for Developmental and epileptic encephalopathy, 32. Last evaluated: 2021-07-27. Review status: criteria provided, single submitter. Criteria: Invitae Variant Classification Sherloc (09022015). Collection method: clinical testing. Allele origin: germline.
Comment: In summary, the available evidence is currently insufficient to determine the role of this variant in disease. Therefore, it has been classified as a Variant of Uncertain Significance. Advanced modeling of protein sequence and biophysical properties (such as structural, functional, and spatial information, amino acid conservation, physicochemical variation, residue mobility, and thermodynamic stability) performed at Invitae indicates that this missense variant is expected to disrupt KCNA2 protein function. This variant has not been reported in the literature in individuals affected with KCNA2-related conditions. This variant is not present in population databases (ExAC no frequency). This sequence change replaces glycine with cysteine at codon 313 of the KCNA2 protein (p.Gly313Cys). The glycine residue is highly conserved and there is a large physicochemical difference between glycine and cysteine.

NM_004974.4(KCNA2):c.937G>T (p.Gly313Cys)

Gene: KCNA2 (potassium voltage-gated channel subfamily A member 2; minus strand). Cytogenetic location: 1p13.3.
Variant type: single nucleotide variant.
Coding change: c.937G>T on transcript NM_004974.4 (MANE Select); coding-DNA position 937, G replaced by T.
Protein change: p.Gly313Cys; replaces glycine 313 with cysteine.
Molecular consequence: missense variant. On other transcripts: intron variant (1).
Genome position (GRCh38, 1-based): chr1:110,603,846, C>A on the plus strand (G>T on the coding strand, the complement: KCNA2 is on the minus strand). VCF-style: chr1-110603846-C-A. GRCh37 (hg19) VCF-style: chr1-111146468-C-A.
Other names: c.894+43G>T (NM_001204269.2); short protein forms G313C.
Identifiers: ClinVar variation 1370278 (VCV001370278.8), dbSNP rs2101398263, ClinGen allele CA341602688.